The following is an entry in ClinVar:

NM_138694.4(PKHD1):c.10603T>C (p.Tyr3535His)

Gene: PKHD1 (PKHD1 ciliary IPT domain containing fibrocystin/polyductin; minus strand). Cytogenetic location: 6p12.3.
Variant type: single nucleotide variant.
Coding change: c.10603T>C on transcript NM_138694.4 (MANE Select); coding-DNA position 10603, T replaced by C.
Protein change: p.Tyr3535His; replaces tyrosine 3535 with histidine.
Molecular consequence: missense variant.
Genome position (GRCh38, 1-based): chr6:51,659,523, A>G on the plus strand (T>C on the coding strand, the complement: PKHD1 is on the minus strand). VCF-style: chr6-51659523-A-G. GRCh37 (hg19) VCF-style: chr6-51524321-A-G.
Other names: short protein forms Y3535H.
Identifiers: ClinVar variation 4993939 (VCV004993939.1).

ClinVar aggregate classification (germline): Uncertain significance (1 of 4 stars; one submission).

Conditions:
PKHD1-related disorder. Also called: PKHD1-related condition.

gnomAD v4.1: 1 of 1,613,704 alleles (0.000062%); no homozygotes.

Submission:

PreventionGenetics, part of Exact Sciences
Classification: Uncertain significance for PKHD1-related condition. Last evaluated: 2025-11-04. Review status: criteria provided, single submitter. Criteria: ACMG Guidelines, 2015. Collection method: clinical testing. Allele origin: germline.
Comment: The PKHD1 c.10603T>C variant is predicted to result in the amino acid substitution p.Tyr3535His. To our knowledge, this variant has not been reported in the literature or in a large population database (gnomAD), indicating this variant is rare. At this time, the clinical significance of this variant is uncertain due to the absence of conclusive functional and genetic evidence.